The following is an entry in ClinVar:

NM_000135.4(FANCA):c.1183G>A (p.Ala395Thr)

Gene: FANCA (FA complementation group A; minus strand). Cytogenetic location: 16q24.3.
Variant type: single nucleotide variant.
Coding change: c.1183G>A on transcript NM_000135.4 (MANE Select); coding-DNA position 1183, G replaced by A.
Protein change: p.Ala395Thr; replaces alanine 395 with threonine.
Molecular consequence: missense variant.
Genome position (GRCh38, 1-based): chr16:89,791,969, C>T on the plus strand (G>A on the coding strand, the complement: FANCA is on the minus strand). VCF-style: chr16-89791969-C-T. GRCh37 (hg19) VCF-style: chr16-89858377-C-T.
Other names: c.1183G>A, p.Ala395Thr (NM_001286167.3); short protein forms A395T.
Identifiers: ClinVar variation 945807 (VCV000945807.11), dbSNP rs202062504, ClinGen allele CA397466114.

ClinVar aggregate classification (germline): Conflicting classifications of pathogenicity. Review status: criteria provided, conflicting classifications (1 of 4 stars). 2 submissions from 2 submitters: Uncertain significance (1); Likely benign (1). Last evaluated 2026-04-15.

Conditions:
Inborn genetic diseases. Identifiers: MedGen C0950123, MeSH D030342.
Fanconi anemia (FA). Also called: Fanconi's anemia. Identifiers: Orphanet 84, MedGen C0015625, MeSH D005199, MONDO:0019391.

Submissions (2):

Ambry Genetics
Classification: Likely benign for Inborn genetic diseases. Last evaluated: 2026-04-15. Review status: criteria provided, single submitter. Criteria: Ambry Variant Classification Scheme 2023. Collection method: clinical testing. Allele origin: germline.

Labcorp Genetics (formerly Invitae), Labcorp
Classification: Uncertain significance for Fanconi anemia. Last evaluated: 2019-04-15. Review status: criteria provided, single submitter. Criteria: Invitae Variant Classification Sherloc (09022015). Collection method: clinical testing. Allele origin: germline.
Comment: This sequence change replaces alanine with threonine at codon 395 of the FANCA protein (p.Ala395Thr). The alanine residue is weakly conserved and there is a small physicochemical difference between alanine and threonine. This variant is not present in population databases (ExAC no frequency). This variant has not been reported in the literature in individuals with FANCA-related conditions. Algorithms developed to predict the effect of missense changes on protein structure and function output the following: SIFT: "Tolerated"; PolyPhen-2: "Possibly Damaging"; Align-GVGD: "Class C0". The threonine amino acid residue is found in multiple mammalian species, suggesting that this missense change does not adversely affect protein function. These predictions have not been confirmed by published functional studies and their clinical significance is uncertain. In summary, the available evidence is currently insufficient to determine the role of this variant in disease. Therefore, it has been classified as a Variant of Uncertain Significance.